The following is an entry in ClinVar:

NM_000548.5(TSC2):c.2191G>T (p.Asp731Tyr)

Gene: TSC2 (TSC complex subunit 2; plus strand). Cytogenetic location: 16p13.3.
Variant type: single nucleotide variant.
Coding change: c.2191G>T on transcript NM_000548.5 (MANE Select); coding-DNA position 2191, G replaced by T.
Protein change: p.Asp731Tyr; replaces aspartic acid 731 with tyrosine.
Molecular consequence: missense variant. On other transcripts: non-coding transcript variant (5).
Genome position (GRCh38, 1-based): chr16:2,072,334, G>T. VCF-style: chr16-2072334-G-T. GRCh37 (hg19) VCF-style: chr16-2122335-G-T.
Other names: c.2191G>T, p.Asp731Tyr (NM_001077183.3, NM_001114382.3, NM_001363528.2 and 6 more transcripts); c.2080G>T, p.Asp694Tyr (NM_001318827.2, NM_001406670.1, NM_001406678.1); c.2044G>T, p.Asp682Tyr (NM_001318829.2, NM_001406675.1, NM_001406676.1 and 1 more transcripts); c.1591G>T, p.Asp531Tyr (NM_001318831.2, NM_001406680.1, NM_001406682.1 and 6 more transcripts); c.2224G>T, p.Asp742Tyr (NM_001318832.2); c.2281G>T, p.Asp761Tyr (NM_001406667.1, NM_001406668.1); c.2179G>T, p.Asp727Tyr (NM_001406671.1, NM_001406673.1); c.2134G>T, p.Asp712Tyr (NM_001406677.1); and 3 more; short protein forms D197Y, D283Y, D531Y, D577Y, D682Y, D694Y, D712Y, D727Y.
Identifiers: ClinVar variation 2572799 (VCV002572799.1), dbSNP rs777308285, ClinGen allele CA394275017.

ClinVar aggregate classification (germline): Uncertain significance (1 of 4 stars; one submission).

Allele frequency attached by ClinVar (database versions not stated): gnomAD exomes below 0.00001.
gnomAD v4.1: 2 of 1,614,092 alleles (0.00012%); highest among the groups gnomAD compares: Non-Finnish European, 0.00017%; no homozygotes.

Submission:

GeneDx
Classification: Uncertain significance. Last evaluated: 2023-01-11. Review status: criteria provided, single submitter. Criteria: GeneDx Variant Classification Process June 2021. Collection method: clinical testing. Allele origin: germline. Affected: yes.
Comment: Not observed at significant frequency in large population cohorts (gnomAD); In silico analysis supports that this missense variant has a deleterious effect on protein structure/function; Has not been previously published as pathogenic or benign to our knowledge